The following is an entry in ClinVar:

ClinVar aggregate classification (germline): Likely pathogenic (1 of 4 stars; one submission).

Submission:

Mayo Clinic Laboratories, Mayo Clinic
Classification: Likely pathogenic. Last evaluated: 2024-11-06. Review status: criteria provided, single submitter. Criteria: ACMG Guidelines, 2015. Collection method: clinical testing. Allele origin: germline. Observed: 1 variant allele.
Comment: PP1, PM2_supporting, PS4_supporting, PVS1_strong

Literature cited by the submitters: PubMed 31730820.

NM_001009944.3(PKD1):c.12445-3C>G

Genes: MIR1225 (microRNA 1225; minus strand), PKD1 (polycystin 1, transient receptor potential channel interacting; minus strand). Cytogenetic location: 16p13.3.
Variant type: single nucleotide variant.
Coding change: c.12445-3C>G on transcript NM_001009944.3 (MANE Select); 3 bases into the intron before coding-DNA position 12445, C replaced by G.
Molecular consequence: intron variant. On other transcripts: non-coding transcript variant (1).
Genome position (GRCh38, 1-based): chr16:2,090,197, G>C on the plus strand (C>G on the coding strand, the complement: PKD1 is on the minus strand). VCF-style: chr16-2090197-G-C. GRCh37 (hg19) VCF-style: chr16-2140198-G-C.
Other names: p.?; c.12442-3C>G (NM_000296.4).
Identifiers: ClinVar variation 4541986 (VCV004541986.1).